The following is an entry in ClinVar:

NM_004612.4(TGFBR1):c.523A>T (p.Thr175Ser)

Gene: TGFBR1 (transforming growth factor beta receptor 1; plus strand). Cytogenetic location: 9q22.33.
Variant type: single nucleotide variant.
Coding change: c.523A>T on transcript NM_004612.4 (MANE Select); coding-DNA position 523, A replaced by T.
Protein change: p.Thr175Ser; replaces threonine 175 with serine.
Molecular consequence: missense variant. On other transcripts: non-coding transcript variant (4), intron variant (3).
Genome position (GRCh38, 1-based): chr9:99,132,688, A>T. VCF-style: chr9-99132688-A-T. GRCh37 (hg19) VCF-style: chr9-101894970-A-T.
Other names: c.523A>T (NM_004612.2); c.316A>T, p.Thr106Ser (NM_001407433.1, NM_001407434.1, NM_001407423.1 and 8 more transcripts); c.523A>T, p.Thr175Ser (NM_001407435.1, NM_001407417.1); c.277A>T, p.Thr93Ser (NM_001407436.1); c.343+3588A>T (NM_001130916.3); c.98-5171A>T (NM_001407438.1); c.98-9848A>T (NM_001407437.1); c.535A>T, p.Thr179Ser (NM_001306210.2, NM_001407416.1); and 1 more; short protein forms T106S, T175S, T93S, T110S, T179S.
Identifiers: ClinVar variation 3668000 (VCV003668000.4).

ClinVar aggregate classification (germline): Uncertain significance. Review status: criteria provided, multiple submitters, no conflicts (2 of 4 stars). 3 submissions from 3 submitters: Uncertain significance (3). Last evaluated 2026-04-30.

Conditions:
Familial thoracic aortic aneurysm and aortic dissection (TAAD). Also called: Thoracic aortic aneurysms and dissections. Identifiers: Orphanet 91387, MedGen C4707243, MONDO:0019625.

gnomAD v4.1: 3 of 1,614,162 alleles (0.00019%); highest among the groups gnomAD compares: Non-Finnish European, 0.00025%; no homozygotes.

Submissions (3):

Ambry Genetics
Classification: Uncertain significance for Familial thoracic aortic aneurysm and aortic dissection. Last evaluated: 2026-04-30. Review status: criteria provided, single submitter. Criteria: Ambry Variant Classification Scheme 2023. Collection method: clinical testing. Allele origin: germline.
Comment: The p.T175S variant (also known as c.523A>T), located in coding exon 3 of the TGFBR1 gene, results from an A to T substitution at nucleotide position 523. The threonine at codon 175 is replaced by serine, an amino acid with similar properties. This amino acid position is conserved. In addition, this alteration is predicted to be deleterious by in silico analysis. Since supporting evidence is limited at this time, the clinical significance of this alteration remains unclear.

Color Diagnostics, LLC DBA Color Health
Classification: Uncertain significance for Familial thoracic aortic aneurysm and aortic dissection. Last evaluated: 2025-07-20. Review status: criteria provided, single submitter. Criteria: ACMG Guidelines, 2015. Collection method: clinical testing. Allele origin: germline.
Comment: This missense variant replaces threonine with serine at codon 175 of the TGFBR1 protein. Computational prediction suggests that this variant may not impact protein structure and function. To our knowledge, functional studies have not been reported for this variant. This variant has not been reported in individuals affected with TGFBR1-related disorders in the literature. This variant has not been identified in the general population by the Genome Aggregation Database (gnomAD). The available evidence is insufficient to determine the role of this variant in disease conclusively. Therefore, this variant is classified as a Variant of Uncertain Significance.

Labcorp Genetics (formerly Invitae), Labcorp
Classification: Uncertain significance for Familial thoracic aortic aneurysm and aortic dissection. Last evaluated: 2024-07-16. Review status: criteria provided, single submitter. Criteria: Invitae Variant Classification Sherloc (09022015). Collection method: clinical testing. Allele origin: germline.
Comment: This sequence change replaces threonine, which is neutral and polar, with serine, which is neutral and polar, at codon 175 of the TGFBR1 protein (p.Thr175Ser). This variant is not present in population databases (gnomAD no frequency). This missense change has been observed in individual(s) with clinical features of TGFBR1-related conditions (Invitae). Advanced modeling of protein sequence and biophysical properties (such as structural, functional, and spatial information, amino acid conservation, physicochemical variation, residue mobility, and thermodynamic stability) performed at Invitae indicates that this missense variant is not expected to disrupt TGFBR1 protein function with a negative predictive value of 95%. In summary, the available evidence is currently insufficient to determine the role of this variant in disease. Therefore, it has been classified as a Variant of Uncertain Significance.